The following is an entry in ClinVar:

ClinVar aggregate classification (germline): Uncertain significance. Review status: criteria provided, multiple submitters, no conflicts (2 of 4 stars). 5 submissions from 5 submitters: Uncertain significance (5). Last evaluated 2025-11-25.

Conditions:
Familial thoracic aortic aneurysm and aortic dissection (TAAD). Also called: Thoracic aortic aneurysms and dissections. Identifiers: Orphanet 91387, MedGen C4707243, MONDO:0019625.
Aortic aneurysm, familial thoracic 7 (AAT7). Also called: AORTIC DISSECTION, FAMILIAL, WITH OR WITHOUT AORTIC ANEURYSM. Identifiers: MedGen C3151077, MONDO:0013418, OMIM 613780.

Allele frequency attached by ClinVar (database versions not stated): gnomAD exomes 0.00002 and 0.00003; gnomAD 0.00003; ExAC 0.00004; TOPMed 0.00009.
gnomAD v4.1: 33 of 1,614,082 alleles (0.002%); highest among the groups gnomAD compares: Admixed American, 0.013%; no homozygotes.

Submissions (5):

Labcorp Genetics (formerly Invitae), Labcorp
Classification: Uncertain significance for Aortic aneurysm, familial thoracic 7. Last evaluated: 2025-11-25. Review status: criteria provided, single submitter. Criteria: Invitae Variant Classification Sherloc (09022015). Collection method: clinical testing. Allele origin: germline.
Comment: This sequence change replaces asparagine, which is neutral and polar, with serine, which is neutral and polar, at codon 699 of the MYLK protein (p.Asn699Ser). This variant is present in population databases (rs757524646, gnomAD 0.006%). This missense change has been observed in individual(s) with spontaneous coronary artery dissection (PMID: 33190788). This variant is also known as p.N630S. ClinVar contains an entry for this variant (Variation ID: 471706). Invitae Evidence Modeling of protein sequence and biophysical properties (such as structural, functional, and spatial information, amino acid conservation, physicochemical variation, residue mobility, and thermodynamic stability) indicates that this missense variant is not expected to disrupt MYLK protein function with a negative predictive value of 80%. In summary, the available evidence is currently insufficient to determine the role of this variant in disease. Therefore, it has been classified as a Variant of Uncertain Significance.

Ambry Genetics
Classification: Uncertain significance for Familial thoracic aortic aneurysm and aortic dissection. Last evaluated: 2025-08-05. Review status: criteria provided, single submitter. Criteria: Ambry Variant Classification Scheme 2023. Collection method: clinical testing. Allele origin: germline.
Comment: The p.N699S variant (also known as c.2096A>G), located in coding exon 12 of the MYLK gene, results from an A to G substitution at nucleotide position 2096. The asparagine at codon 699 is replaced by serine, an amino acid with highly similar properties. This amino acid position is conserved. In addition, this alteration is predicted to be tolerated by in silico analysis. Based on the available evidence, the clinical significance of this variant remains unclear.

GeneDx
Classification: Uncertain significance. Last evaluated: 2025-07-14. Review status: criteria provided, single submitter. Criteria: GeneDx Variant Classification Process June 2021. Collection method: clinical testing. Allele origin: germline. Affected: yes.
Comment: Identified in a patient with visceral myopathy and recurrent small bowel perforations (PMID: 33986007); In silico analysis supports that this missense variant has a deleterious effect on protein structure/function; This variant is associated with the following publications: (PMID: 33986007)

ARUP Laboratories, Molecular Genetics and Genomics, ARUP Laboratories
Classification: Uncertain significance. Last evaluated: 2020-07-02. Review status: criteria provided, single submitter. Criteria: ARUP Molecular Germline Variant Investigation Process. Collection method: clinical testing. Allele origin: germline.
Comment: The MYLK c.2096A>G; p.Asn699Ser variant (rs757524646), to our knowledge, is not reported in the medical literature but is reported in ClinVar (Variation ID: 471706). This variant is found on nine chromosomes (9/383770 alleles) in the Genome Aggregation Database. The asparagine at codon 699 is moderately conserved, and computational analyses (SIFT, PolyPhen-2) predict that this variant is deleterious. However, due to limited information, the clinical significance of the p.Asn699Ser variant is uncertain at this time.

Mayo Clinic Laboratories, Mayo Clinic
Classification: Uncertain significance. Last evaluated: 2020-05-21. Review status: criteria provided, single submitter. Criteria: ACMG Guidelines, 2015. Collection method: clinical testing. Allele origin: germline. Observed: 1 variant allele.

Literature cited by the submitters: PubMed 33190788 (cited by Labcorp Genetics (formerly Invitae), Labcorp).

NM_053025.4(MYLK):c.2096A>G (p.Asn699Ser)

Gene: MYLK (myosin light chain kinase; minus strand). Cytogenetic location: 3q21.1.
Variant type: single nucleotide variant.
Coding change: c.2096A>G on transcript NM_053025.4 (MANE Select); coding-DNA position 2096, A replaced by G.
Protein change: p.Asn699Ser; replaces asparagine 699 with serine.
Molecular consequence: missense variant.
Genome position (GRCh38, 1-based): chr3:123,708,742, T>C on the plus strand (A>G on the coding strand, the complement: MYLK is on the minus strand). VCF-style: chr3-123708742-T-C. GRCh37 (hg19) VCF-style: chr3-123427589-T-C.
Other names: c.1568A>G, p.Asn523Ser (NM_001321309.2); c.1889A>G, p.Asn630Ser (NM_053026.4, NM_053028.4); c.2096A>G, p.Asn699Ser (NM_053027.4); short protein forms N699S, N630S, N523S.
Identifiers: ClinVar variation 471706 (VCV000471706.26), dbSNP rs757524646, ClinGen allele CA068038.